The following is an entry in ClinVar:

ClinVar aggregate classification (germline): Uncertain significance. Review status: criteria provided, multiple submitters, no conflicts (2 of 4 stars). 2 submissions from 2 submitters: Uncertain significance (2). Last evaluated 2026-03-05.

Conditions:
Inborn genetic diseases. Identifiers: MedGen C0950123, MeSH D030342.

gnomAD v4.1: 1 of 1,614,134 alleles (0.000062%); no homozygotes.

Submissions (2):

GeneDx
Classification: Uncertain significance. Last evaluated: 2026-03-05. Review status: criteria provided, single submitter. Criteria: GeneDx Variant Classification Process June 2021. Collection method: clinical testing. Allele origin: germline.
Comment: Not observed at significant frequency in large population cohorts (gnomAD); In silico analysis supports that this missense variant has a deleterious effect on protein structure/function; Has not been previously published as pathogenic or benign to our knowledge

Ambry Genetics
Classification: Uncertain significance for Inborn genetic diseases. Last evaluated: 2024-08-15. Review status: criteria provided, single submitter. Criteria: Ambry Variant Classification Scheme 2023. Collection method: clinical testing. Allele origin: germline.
Comment: The c.215C>G (p.S72C) alteration is located in exon 3 (coding exon 2) of the SPTBN1 gene. This alteration results from a C to G substitution at nucleotide position 215, causing the serine (S) at amino acid position 72 to be replaced by a cysteine (C). This variant was not reported in population-based cohorts in the Genome Aggregation Database (gnomAD). This amino acid position is highly conserved in available vertebrate species. This missense alteration is located in a region that has a low rate of benign missense variation (Lek, 2016; Firth, 2009). The in silico prediction for this alteration is inconclusive. Based on insufficient or conflicting evidence, the clinical significance of this alteration remains unclear.

NM_003128.3(SPTBN1):c.215C>G (p.Ser72Cys)

Gene: SPTBN1 (spectrin beta, non-erythrocytic 1; plus strand). Cytogenetic location: 2p16.2.
Variant type: single nucleotide variant.
Coding change: c.215C>G on transcript NM_003128.3 (MANE Select); coding-DNA position 215, C replaced by G.
Protein change: p.Ser72Cys; replaces serine 72 with cysteine.
Molecular consequence: missense variant.
Genome position (GRCh38, 1-based): chr2:54,599,158, C>G. VCF-style: chr2-54599158-C-G. GRCh37 (hg19) VCF-style: chr2-54826295-C-G.
Other names: c.176C>G, p.Ser59Cys (NM_178313.3); short protein forms S59C, S72C.
Identifiers: ClinVar variation 3322438 (VCV003322438.3).